The following is an entry in ClinVar:

ClinVar aggregate classification (germline): Pathogenic (1 of 4 stars; one submission).

Submission:

Labcorp Genetics (formerly Invitae), Labcorp
Classification: Pathogenic. Last evaluated: 2020-11-17. Review status: criteria provided, single submitter. Criteria: Invitae Variant Classification Sherloc (09022015). Collection method: clinical testing. Allele origin: germline.
Comment: For these reasons, this variant has been classified as Pathogenic. This variant has not been reported in the literature in individuals with USH2A-related conditions. This variant is not present in population databases (ExAC no frequency). This sequence change creates a premature translational stop signal (p.Gln4473*) in the USH2A gene. It is expected to result in an absent or disrupted protein product. Loss-of-function variants in USH2A are known to be pathogenic (PMID: 10729113, 10909849, 20507924, 25649381).

Literature cited by the submitters: PubMed 10729113; PubMed 10909849; PubMed 20507924; PubMed 25649381.

NM_206933.4(USH2A):c.13417C>T (p.Gln4473Ter)

Gene: USH2A (usherin; minus strand). Cytogenetic location: 1q41.
Variant type: single nucleotide variant.
Coding change: c.13417C>T on transcript NM_206933.4 (MANE Select); coding-DNA position 13417, C replaced by T.
Protein change: p.Gln4473Ter; replaces glutamine 4473 with a stop codon.
Molecular consequence: nonsense.
Genome position (GRCh38, 1-based): chr1:215,674,494, G>A on the plus strand (C>T on the coding strand, the complement: USH2A is on the minus strand). VCF-style: chr1-215674494-G-A. GRCh37 (hg19) VCF-style: chr1-215847836-G-A.
Other names: short protein forms Q4473*.
Identifiers: ClinVar variation 1432958 (VCV001432958.6), dbSNP rs2102665279, ClinGen allele CA344845321.